The following is an entry in ClinVar:

NM_000535.7(PMS2):c.2361_2364del (p.Phe788fs)

Gene: PMS2 (PMS1 homolog 2, mismatch repair system component; minus strand). Cytogenetic location: 7p22.1.
Variant type: Deletion.
Coding change: c.2361_2364del on transcript NM_000535.7 (MANE Select); coding-DNA positions 2361 to 2364, 4 bases deleted (CTTC; older notation c.2361_2364delCTTC).
Protein change: p.Phe788fs; shifts the reading frame from phenylalanine 788.
Molecular consequence: frameshift variant. On other transcripts: non-coding transcript variant (1).
Genome position (GRCh38, 1-based): chr7:5,977,669-5,977,672, GAAG deleted on the plus strand (CTTC on the coding strand, the reverse complement: PMS2 is on the minus strand). VCF-style (leftmost placement, unchanged base first): chr7-5977668-TGAAG-T. GRCh37 (hg19) VCF-style: chr7-6017299-TGAAG-T.
Other names: c.1956_1959del, p.Phe653fs (NM_001322003.2, NM_001322004.2, NM_001322005.2); c.2205_2208del, p.Phe736fs (NM_001322006.2); c.2043_2046del, p.Phe682fs (NM_001322007.2, NM_001322008.2); c.1989_1992del, p.Phe664fs (NM_001322009.2); c.1800_1803del, p.Phe601fs (NM_001322010.2); c.1428_1431del, p.Phe477fs (NM_001322011.2, NM_001322012.2); c.1788_1791del, p.Phe597fs (NM_001322013.2); c.2394_2397del, p.Phe799fs (NM_001322014.2); and 1 more; short protein forms F601fs, F653fs, F682fs, F685fs, F597fs, F788fs, F477fs, F664fs.
Identifiers: ClinVar variation 91338 (VCV000091338.21), dbSNP rs267608160, ClinGen allele CA011351.

ClinVar aggregate classification (germline): Pathogenic. Review status: reviewed by expert panel (3 of 4 stars). 7 submissions from 7 submitters: Pathogenic (1). 6 of the submissions do not count toward it. Last evaluated 2013-09-05.

Conditions:
Hereditary nonpolyposis colorectal neoplasms. Identifiers: MedGen C0009405, MeSH D003123.
Lynch syndrome. Identifiers: Orphanet 144, MedGen C4552100, MONDO:0005835. Disease mechanism: loss of function.
Lynch syndrome 4 (LYNCH4). Also called: Colorectal cancer, hereditary nonpolyposis, type 4; Hereditary non-polyposis colorectal cancer, type 4. Identifiers: Orphanet 144, MedGen C1838333, MONDO:0013699, OMIM 614337. Disease mechanism: loss of function.
Mismatch repair cancer syndrome 4. Identifiers: MedGen C5436817, MONDO:0030843, OMIM 619101.
Hereditary cancer-predisposing syndrome. Also called: Tumor predisposition; Hereditary Cancer Syndrome; Hereditary neoplastic syndrome; Neoplastic Syndromes, Hereditary. Identifiers: Orphanet 140162, MedGen C0027672, MeSH D009386, MONDO:0015356.

Submissions (7):

International Society for Gastrointestinal Hereditary Tumours (InSiGHT)
Classification: Pathogenic for Lynch Syndrome. Last evaluated: 2013-09-05. Review status: reviewed by expert panel. Criteria: Guidelines v1.9. Collection method: research. Allele origin: germline.
Comment: Coding sequence variation resulting in a stop codon

Classified with v1.9 guidelines

Ambry Genetics
Classification: Pathogenic for Hereditary cancer-predisposing syndrome. Last evaluated: 2025-10-20. Review status: criteria provided, single submitter. Criteria: Ambry Variant Classification Scheme 2023. Collection method: clinical testing. Allele origin: germline. Not counted in ClinVar's aggregate classification.
Comment: The c.2361_2364delCTTC pathogenic mutation, located in coding exon 14 of the PMS2 gene, results from a deletion of 4 nucleotides at nucleotide positions 2361 to 2364, causing a translational frameshift with a predicted alternate stop codon (p.F788Cfs*2). This variant is considered to be rare based on population cohorts in the Genome Aggregation Database (gnomAD). This alteration is expected to result in loss of function by premature protein truncation or nonsense-mediated mRNA decay. As such, this alteration is interpreted as a disease-causing mutation.

Labcorp Genetics (formerly Invitae), Labcorp
Classification: Pathogenic for Hereditary nonpolyposis colorectal neoplasms. Last evaluated: 2025-02-19. Review status: criteria provided, single submitter. Criteria: Invitae Variant Classification Sherloc (09022015). Collection method: clinical testing. Allele origin: germline. Not counted in ClinVar's aggregate classification.
Comment: This sequence change creates a premature translational stop signal (p.Phe788Cysfs*2) in the PMS2 gene. It is expected to result in an absent or disrupted protein product. Loss-of-function variants in PMS2 are known to be pathogenic (PMID: 21376568, 24362816). The frequency data for this variant in the population databases (gnomAD) is considered unreliable due to the presence of homologous sequence, such as pseudogenes or paralogs, in the genome. This premature translational stop signal has been observed in individual(s) with clinical features of autosomal recessive constitutional mismatch repair deficiency syndrome (CMMR-D) (PMID: 10763829). In at least one individual the data is consistent with being in trans (on the opposite chromosome) from a pathogenic variant. ClinVar contains an entry for this variant (Variation ID: 91338). For these reasons, this variant has been classified as Pathogenic.

Myriad Genetics, Inc.
Classification: Pathogenic for Lynch syndrome 4. Last evaluated: 2023-09-22. Review status: criteria provided, single submitter. Criteria: Myriad Autosomal Dominant, Autosomal Recessive and X-Linked Classification Criteria (2023). Collection method: clinical testing. Allele origin: unknown. Not counted in ClinVar's aggregate classification.
Comment: This variant is considered pathogenic. This variant creates a frameshift predicted to result in premature protein truncation.

Baylor Genetics
Classification: Pathogenic for Lynch syndrome 4. Last evaluated: 2023-08-21. Review status: criteria provided, single submitter. Criteria: ACMG Guidelines, 2015. Collection method: clinical testing. Allele origin: unknown. Not counted in ClinVar's aggregate classification.

GeneDx
Classification: Pathogenic. Last evaluated: 2022-02-04. Review status: criteria provided, single submitter. Criteria: GeneDx Variant Classification Process June 2021. Collection method: clinical testing. Allele origin: germline. Affected: yes. Not counted in ClinVar's aggregate classification.
Comment: Frameshift variant predicted to result in protein truncation or nonsense mediated decay in a gene for which loss-of-function is a known mechanism of disease; Not observed at significant frequency in large population cohorts (gnomAD); Truncating variants in this gene are considered pathogenic by a well-established clinical consortium and/or database; This variant is associated with the following publications: (PMID: 21376568, 20531397, 30787465, 10763829)

OMIM
Classification: Pathogenic for MISMATCH REPAIR CANCER SYNDROME 4. Last evaluated: 2000-03-23. Review status: no assertion criteria provided. Collection method: literature only. Allele origin: germline. Not counted in ClinVar's aggregate classification.

Literature cited by the submitters: PubMed 10763829 (cited by 3 submitters); PubMed 21376568 (cited by Ambry Genetics and Labcorp Genetics (formerly Invitae), Labcorp); PubMed 24362816 (cited by Labcorp Genetics (formerly Invitae), Labcorp).